The following is an entry in ClinVar:

ClinVar aggregate classification (germline): Uncertain significance (1 of 4 stars; one submission).

Submission:

Labcorp Genetics (formerly Invitae), Labcorp
Classification: Uncertain significance. Last evaluated: 2022-06-10. Review status: criteria provided, single submitter. Criteria: Invitae Variant Classification Sherloc (09022015). Collection method: clinical testing. Allele origin: germline.
Comment: Experimental studies and prediction algorithms are not available or were not evaluated, and the functional significance of this variant is currently unknown. This variant has not been reported in the literature in individuals affected with POLE-related conditions. In summary, the available evidence is currently insufficient to determine the role of this variant in disease. Therefore, it has been classified as a Variant of Uncertain Significance. This variant is not present in population databases (gnomAD no frequency). This sequence change results in a frameshift in the POLE gene (p.Asn2281Profs*22). While this is not anticipated to result in nonsense mediated decay, it is expected to disrupt the last 6 amino acid(s) of the POLE protein and extend the protein by 15 additional amino acid residues.

NM_006231.4(POLE):c.6840_6841del (p.Asn2281fs)

Gene: POLE (DNA polymerase epsilon, catalytic subunit; minus strand). Cytogenetic location: 12q24.33.
Variant type: Deletion.
Coding change: c.6840_6841del on transcript NM_006231.4 (MANE Select); coding-DNA positions 6840 to 6841, 2 bases deleted (GA; older notation c.6840_6841delGA).
Protein change: p.Asn2281fs; shifts the reading frame from asparagine 2281.
Molecular consequence: frameshift variant.
Genome position (GRCh38, 1-based): chr12:132,624,717-132,624,718, TC deleted on the plus strand (GA on the coding strand, the reverse complement: POLE is on the minus strand); deleting any 2 consecutive bases within chr12:132,624,717-132,624,719 gives the same sequence; the c. name uses the placement nearest the transcript's 3' end. VCF-style (leftmost placement, unchanged base first): chr12-132624716-TTC-T. GRCh37 (hg19) VCF-style: chr12-133201302-TTC-T.
Other names: short protein forms N2281fs.
Identifiers: ClinVar variation 2004646 (VCV002004646.4), dbSNP rs2541831797, ClinGen allele CA2580085981.